The following is an entry in ClinVar:

NM_201384.3(PLEC):c.3883C>T (p.Pro1295Ser)

Gene: PLEC (plectin; minus strand). Cytogenetic location: 8q24.3.
Variant type: single nucleotide variant.
Coding change: c.3883C>T on transcript NM_201384.3 (MANE Select); coding-DNA position 3883, C replaced by T.
Protein change: p.Pro1295Ser; replaces proline 1295 with serine.
Molecular consequence: missense variant.
Genome position (GRCh38, 1-based): chr8:143,927,039, G>A on the plus strand (C>T on the coding strand, the complement: PLEC is on the minus strand). VCF-style: chr8-143927039-G-A. GRCh37 (hg19) VCF-style: chr8-145001207-G-A.
Other names: c.3964C>T, p.Pro1322Ser (NM_000445.5); c.3841C>T, p.Pro1281Ser (NM_201378.4); c.3817C>T, p.Pro1273Ser (NM_201379.3); c.4294C>T, p.Pro1432Ser (NM_201380.4); c.3787C>T, p.Pro1263Ser (NM_201381.3); c.3883C>T, p.Pro1295Ser (NM_201382.4); c.3895C>T, p.Pro1299Ser (NM_201383.3); short protein forms P1263S, P1273S, P1281S, P1295S, P1299S, P1322S, P1432S.
Identifiers: ClinVar variation 129946 (VCV000129946.12), dbSNP rs587780419, ClinGen allele CA231390.

ClinVar aggregate classification (germline): Uncertain significance. Review status: criteria provided, multiple submitters, no conflicts (2 of 4 stars). 2 submissions from 2 submitters: Uncertain significance (2). Last evaluated 2023-05-22.

Conditions:
Epidermolysis bullosa simplex 5C, with pyloric atresia (EBS5C). Also called: PLEC-Related Epidermolysis Bullosa with Pyloric Atresia; Epidermolysis bullosa simplex with pyloric atresia; PLEC1-Related Epidermolysis Bullosa with Pyloric Atresia. Identifiers: Orphanet 158684, MedGen C2677349, MONDO:0012807, OMIM 612138.
Autosomal recessive limb-girdle muscular dystrophy type 2Q (LGMDR17). Also called: MUSCULAR DYSTROPHY, LIMB-GIRDLE, AUTOSOMAL RECESSIVE 17. Identifiers: Orphanet 254361, MedGen C3150989, MONDO:0013390, OMIM 613723.
Epidermolysis bullosa simplex with nail dystrophy (EBS5D). Identifiers: MedGen C4225309, MONDO:0014661, OMIM 616487.
Epidermolysis bullosa simplex 5B, with muscular dystrophy (EBS5B). Also called: Epidermolysis bullosa simplex with muscular dystrophy; EPIDERMOLYSIS BULLOSA SIMPLEX AND LIMB-GIRDLE MUSCULAR DYSTROPHY. Identifiers: Orphanet 257, MedGen C2931072, MONDO:0009181, OMIM 226670.
Epidermolysis bullosa simplex, Ogna type (EBS5A). Also called: Pidermolysis bullosa simplex 5A, Ogna type; EPIDERMOLYSIS BULLOSA SIMPLEX 5A, OGNA TYPE. Identifiers: Orphanet 79401, MedGen C0432317, MONDO:0007555, OMIM 131950.

Allele frequency attached by ClinVar (database versions not stated): gnomAD 0.00001; gnomAD exomes 0.00001 and 0.00002; TOPMed 0.00001; ExAC 0.00003.
gnomAD v4.1: 16 of 1,612,216 alleles (0.00099%); highest among the groups gnomAD compares: Non-Finnish European, 0.0014%; no homozygotes.

Submissions (2):

Labcorp Genetics (formerly Invitae), Labcorp
Classification: Uncertain significance for Autosomal recessive limb-girdle muscular dystrophy type 2Q; Epidermolysis bullosa simplex, Ogna type; Epidermolysis bullosa simplex with nail dystrophy; Epidermolysis bullosa simplex 5C, with pyloric atresia; Epidermolysis bullosa simplex 5B, with muscular dystrophy. Last evaluated: 2023-05-22. Review status: criteria provided, single submitter. Criteria: Invitae Variant Classification Sherloc (09022015). Collection method: clinical testing. Allele origin: germline.
Comment: Advanced modeling of protein sequence and biophysical properties (such as structural, functional, and spatial information, amino acid conservation, physicochemical variation, residue mobility, and thermodynamic stability) performed at Invitae indicates that this missense variant is not expected to disrupt PLEC protein function. In summary, the available evidence is currently insufficient to determine the role of this variant in disease. Therefore, it has been classified as a Variant of Uncertain Significance. ClinVar contains an entry for this variant (Variation ID: 129946). This variant has not been reported in the literature in individuals affected with PLEC-related conditions. This variant is present in population databases (rs587780419, gnomAD 0.004%). This sequence change replaces proline, which is neutral and non-polar, with serine, which is neutral and polar, at codon 1322 of the PLEC protein (p.Pro1322Ser).

Genetic Services Laboratory, University of Chicago
Classification: Uncertain significance. Last evaluated: 2013-08-20. Review status: criteria provided, single submitter. Criteria: ACMG Guidelines, 2007. Collection method: clinical testing. Allele origin: germline. Inheritance: Autosomal recessive inheritance.